The following is an entry in ClinVar:

NM_002386.4(MC1R):c.730A>G (p.Thr244Ala)

Gene: MC1R (melanocortin 1 receptor; plus strand). Cytogenetic location: 16q24.3.
Variant type: single nucleotide variant.
Coding change: c.730A>G on transcript NM_002386.4 (MANE Select); coding-DNA position 730, A replaced by G.
Protein change: p.Thr244Ala; replaces threonine 244 with alanine.
Molecular consequence: missense variant.
Genome position (GRCh38, 1-based): chr16:89,919,988, A>G. VCF-style: chr16-89919988-A-G. GRCh37 (hg19) VCF-style: chr16-89986396-A-G.
Other names: short protein forms T244A.
Identifiers: ClinVar variation 2102892 (VCV002102892.4), dbSNP rs769056179, ClinGen allele CA397463013.

ClinVar aggregate classification (germline): Uncertain significance (1 of 4 stars; one submission).

Conditions:
Melanoma, cutaneous malignant, susceptibility to, 5. Also called: Cutaneous malignant melanoma 5. Identifiers: Orphanet 618, MedGen C2751295, MONDO:0013133, OMIM 613099.

Submission:

Labcorp Genetics (formerly Invitae), Labcorp
Classification: Uncertain significance for Melanoma, cutaneous malignant, susceptibility to, 5. Last evaluated: 2022-10-17. Review status: criteria provided, single submitter. Criteria: Invitae Variant Classification Sherloc (09022015). Collection method: clinical testing. Allele origin: germline.
Comment: This variant is not present in population databases (gnomAD no frequency). This sequence change replaces threonine, which is neutral and polar, with alanine, which is neutral and non-polar, at codon 244 of the MC1R protein (p.Thr244Ala). This variant has not been reported in the literature in individuals affected with MC1R-related conditions. In summary, the available evidence is currently insufficient to determine the role of this variant in disease. Therefore, it has been classified as a Variant of Uncertain Significance. Advanced modeling of protein sequence and biophysical properties (such as structural, functional, and spatial information, amino acid conservation, physicochemical variation, residue mobility, and thermodynamic stability) performed at Invitae indicates that this missense variant is not expected to disrupt MC1R protein function.